The following is an entry in ClinVar:

ClinVar aggregate classification (germline): Pathogenic (1 of 4 stars; one submission).

Conditions:
Ehlers-Danlos syndrome, dermatosparaxis type. Also called: EDS VIIC; Dermatosparaxis; Ehlers-Danlos syndrome, type VII, autosomal recessive. Identifiers: Orphanet 1901, MedGen C2700425, MONDO:0009161, OMIM 225410.

Submission:

Myriad Genetics, Inc.
Classification: Pathogenic for Ehlers-Danlos syndrome, dermatosparaxis type. Last evaluated: 2026-01-24. Review status: criteria provided, single submitter. Criteria: Myriad Autosomal Dominant, Autosomal Recessive and X-Linked Classification Criteria (2023). Collection method: clinical testing. Allele origin: unknown.
Comment: NM_014244.4(ADAMTS2):c.243delA(A82Qfs*83) is expected to be pathogenic in the context of Ehlers-Danlos syndrome, ADAMTS2-related. This variant is predicted to lead to an abnormal or absent protein product due to the creation of a premature termination codon in ADAMTS2, a gene where loss-of-function variants are known to be pathogenic. Please note: this variant was assessed in the context of healthy population screening.

NM_014244.5(ADAMTS2):c.243del (p.Ala82fs)

Gene: ADAMTS2 (ADAM metallopeptidase with thrombospondin type 1 motif 2; minus strand). Cytogenetic location: 5q35.3.
Variant type: Deletion.
Coding change: c.243del on transcript NM_014244.5 (MANE Select); coding-DNA position 243, one base deleted (A; older notation c.243delA).
Protein change: p.Ala82fs; shifts the reading frame from alanine 82.
Molecular consequence: frameshift variant.
Genome position (GRCh38, 1-based): chr5:179,344,058, T deleted on the plus strand (A on the coding strand, the reverse complement: ADAMTS2 is on the minus strand). VCF-style (leftmost placement, unchanged base first): chr5-179344057-CT-C. GRCh37 (hg19) VCF-style: chr5-178771058-CT-C.
Other names: c.243del, p.Ala82fs (NM_021599.4); short protein forms A82fs.
Identifiers: ClinVar variation 5015475 (VCV005015475.1).